The following is an entry in ClinVar:

NM_001035.3(RYR2):c.5717T>C (p.Met1906Thr)

Gene: RYR2 (ryanodine receptor 2; plus strand). Cytogenetic location: 1q43.
Variant type: single nucleotide variant.
Coding change: c.5717T>C on transcript NM_001035.3 (MANE Select); coding-DNA position 5717, T replaced by C.
Protein change: p.Met1906Thr; replaces methionine 1906 with threonine.
Molecular consequence: missense variant.
Genome position (GRCh38, 1-based): chr1:237,617,287, T>C. VCF-style: chr1-237617287-T-C. GRCh37 (hg19) VCF-style: chr1-237780587-T-C.
Other names: p.M1906T:ATG>ACG; c.5717T>C, p.Met1906Thr (LRG_402t1); short protein forms M1906T.
Identifiers: ClinVar variation 201257 (VCV000201257.17), dbSNP rs748307254, ClinGen allele CA009989.
Genomic context (GRCh38, chr1:237,617,287, plus strand): 5'-CATACACATTATTAAAGGATTTAGAAATTAAATTTGGTGTCTTTTTAATGGTCTCTTAGA[T>C]GTGCCTACTGCTTCAGTACCTCTGTGACTGCCAGGTCCGGCACCGGATAGAAGCCATTGT-3'
Protein context (NP_001026.2, residues 1896-1916): MKLPEPVKLQ[Met1906Thr]CLLLQYLCDC

ClinVar aggregate classification (germline): Uncertain significance. Review status: criteria provided, multiple submitters, no conflicts (2 of 4 stars). 5 submissions from 5 submitters: Uncertain significance (5). Last evaluated 2023-11-08.

Conditions:
Cardiovascular phenotype. Identifiers: MedGen CN230736.
Catecholaminergic polymorphic ventricular tachycardia (CVPT). Also called: Catecholamine-induced polymorphic ventricular tachycardia. Identifiers: Orphanet 3286, MedGen C5574922, MONDO:0017990.
Catecholaminergic polymorphic ventricular tachycardia 1. Also called: RYR2-Related Catecholaminergic Polymorphic Ventricular Tachycardia; VENTRICULAR TACHYCARDIA, CATECHOLAMINERGIC POLYMORPHIC, 1, WITH OR WITHOUT ATRIAL DYSFUNCTION AND/OR DILATED CARDIOMYOPATHY; VENTRICULAR TACHYCARDIA, STRESS-INDUCED POLYMORPHIC 1. Identifiers: Orphanet 3286, MedGen C1631597, MONDO:0011484, OMIM 604772.
Cardiomyopathy (CMYO). Also called: Cardiomyopathies. Identifiers: Orphanet 167848, MedGen C0878544, MONDO:0004994, HP:0001638. Inheritance: Various modes of inheritance.

Allele frequency attached by ClinVar (database versions not stated): TOPMed below 0.00001; gnomAD exomes 0.00001; ExAC 0.00004.

Submissions (5):

Ambry Genetics
Classification: Uncertain significance for Cardiovascular phenotype. Last evaluated: 2023-11-08. Review status: criteria provided, single submitter. Criteria: Ambry Variant Classification Scheme 2023. Collection method: clinical testing. Allele origin: germline.
Comment: The p.M1906T variant (also known as c.5717T>C), located in coding exon 38 of the RYR2 gene, results from a T to C substitution at nucleotide position 5717. The methionine at codon 1906 is replaced by threonine, an amino acid with similar properties. This alteration has been reported in a case report of an individual who experienced sudden cardiac arrest at a young age; however, an additional alteration in RYR2 was identified (Saito A et al. J Arrhythm, 2018 Jun;34:291-293). Additionally, this alteration has been reported in a hypertrophy cardiomyopathy cohort (Chung H et al. J Cardiovasc Magn Reson, 2021 Mar;23:18). This amino acid position is highly conserved in available vertebrate species. In addition, the in silico prediction for this alteration is inconclusive. Since supporting evidence is limited at this time, the clinical significance of this alteration remains unclear.

All of Us Research Program, National Institutes of Health
Classification: Uncertain significance for Catecholaminergic polymorphic ventricular tachycardia. Last evaluated: 2023-08-08. Review status: criteria provided, single submitter. Criteria: ACMG Guidelines, 2015. Collection method: clinical testing. Allele origin: germline. Inheritance: Autosomal dominant inheritance. Observed: 1 variant allele, 1 heterozygote.
Comment: This variant is located in the RYR2 protein. Computational prediction is inconclusive regarding the impact of this variant on protein structure and function (internally defined REVEL score threshold 0.5 < inconclusive < 0.7, PMID: 27666373). To our knowledge, functional studies have not been reported for this variant. This variant has been reported in an individual affected with catecholaminergic polymorphic ventricular tachycardia with prolonged QT interval, who also carried another pathogenic variant in the RYR2 gene (PMID: 29951146). This variant has been identified in 3/243350 chromosomes in the general population by the Genome Aggregation Database (gnomAD). The available evidence is insufficient to determine the role of this variant in disease conclusively. Therefore, this variant is classified as a Variant of Uncertain Significance.

This study involves interpretation of variants in research participants for the purpose of population health screening. Participant phenotype was not available at the time of variant classification. Additional details can be found in publication PMID: 35346344, PMCID: PMC8962531

Color Diagnostics, LLC DBA Color Health
Classification: Uncertain significance for Cardiomyopathy. Last evaluated: 2023-07-25. Review status: criteria provided, single submitter. Criteria: ACMG Guidelines, 2015. Collection method: clinical testing. Allele origin: germline.
Comment: This variant is located in the RYR2 protein. Computational prediction is inconclusive regarding the impact of this variant on protein structure and function (internally defined REVEL score threshold 0.5 < inconclusive < 0.7, PMID: 27666373). To our knowledge, functional studies have not been reported for this variant. This variant has been reported in an individual affected with catecholaminergic polymorphic ventricular tachycardia with prolonged QT interval, who also carried another pathogenic variant in the RYR2 gene (PMID: 29951146). This variant has been identified in 3/243350 chromosomes in the general population by the Genome Aggregation Database (gnomAD). The available evidence is insufficient to determine the role of this variant in disease conclusively. Therefore, this variant is classified as a Variant of Uncertain Significance.

Labcorp Genetics (formerly Invitae), Labcorp
Classification: Uncertain significance for Catecholaminergic polymorphic ventricular tachycardia 1. Last evaluated: 2022-03-22. Review status: criteria provided, single submitter. Criteria: Invitae Variant Classification Sherloc (09022015). Collection method: clinical testing. Allele origin: germline.
Comment: This sequence change replaces methionine, which is neutral and non-polar, with threonine, which is neutral and polar, at codon 1906 of the RYR2 protein (p.Met1906Thr). This variant is present in population databases (rs748307254, gnomAD 0.02%). This missense change has been observed in individual(s) with clinical features of long QT syndrome (PMID: 29951146). ClinVar contains an entry for this variant (Variation ID: 201257). Algorithms developed to predict the effect of missense changes on protein structure and function (SIFT, PolyPhen-2, Align-GVGD) all suggest that this variant is likely to be disruptive. In summary, the available evidence is currently insufficient to determine the role of this variant in disease. Therefore, it has been classified as a Variant of Uncertain Significance.

GeneDx
Classification: Uncertain significance. Last evaluated: 2012-07-10. Review status: criteria provided, single submitter. Criteria: GeneDx Variant Classification (06012015). Collection method: clinical testing. Allele origin: germline. Affected: yes.
Comment: p.Met1906Thr (ATG>ACG): c.5717 T>C in exon 38 of the RYR2 gene (NM_001035.2). The Met1906Thr variant in the RYR2 gene has not been reported as a disease-causing mutation or as a benign polymorphism to our knowledge. Met1906Thr results in a non-conservative amino acid substitution of a non-polar Methionine residue with a polar Threonine residue at a position that is conserved across species. In silico analysis predicts Met1906Thr is probably damaging to the protein structure/function. Also, the NHLBI ESP Exome Variant Server reports Met1906Thr was not observed in approximately 6,000 samples from individuals of European and African American backgrounds, indicating it is not a common benign variant in these populations. Nevertheless, no mutations in nearby codons have been reported in association with ARVC or an RYR2-related phenotype, indicating this region of the protein may be tolerant of change. With the clinical and molecular information available at this time, we cannot definitively determine if Met1906Thr is a disease-causing mutation or a rare benign variant. Arrhythmogenic right ventricular cardiomyopathy (ARVC) is primarily an autosomal dominant disease characterized by progressive fibrofatty replacement of the myocardium that predisposes to ventricular tachycardia and sudden death (McNally E et al., 2009; Nava A et al., 2000). ARVC is most frequently caused by mutations in the genes encoding desmosomal proteins, complexes that maintain cell-to-cell connections and provide mechanical attachments among adjacent cells. Less commonly, ARVC may be caused by mutations in genes that encode proteins that maintain calcium homeostasis (McNally E et al., 2009). Approximately 50% of patients with autosomal dominant CPVT have been reported to have a mutation in the RYR2 gene, while mutations in the RYR2 gene associated with ARVC are rare (McNally E et al., 2009; Napolitano C et al., 2012). The variant is found in ARVC panel(s).

Literature cited by the submitters: PubMed 29951146 (cited by 4 submitters); PubMed 33658040 (cited by Ambry Genetics).